The following is an entry in ClinVar:

ClinVar aggregate classification (germline): Uncertain significance. Review status: criteria provided, multiple submitters, no conflicts (2 of 4 stars). 9 submissions from 9 submitters: Uncertain significance (9). Last evaluated 2026-07-06.

Conditions:
LRSAM1-related disorder. Also called: LRSAM1-related condition.
Inborn genetic diseases. Identifiers: MedGen C0950123, MeSH D030342.
Charcot-Marie-Tooth disease axonal type 2P. Also called: CHARCOT-MARIE-TOOTH NEUROPATHY, TYPE 2P; Charcot-Marie-Tooth Neuropathy Type 2G; CHARCOT-MARIE-TOOTH DISEASE, AXONAL, TYPE 2G; CMT 2G. Identifiers: Orphanet 300319, Orphanet 99941, MedGen C3280797, MONDO:0013753, OMIM 614436.

Allele frequency attached by ClinVar (database versions not stated): gnomAD exomes 0.00010; TOPMed 0.00010; gnomAD 0.00011; ExAC 0.00014; ESP Exome Variant Server 0.00038.
gnomAD v4.1: 149 of 1,612,004 alleles (0.0092%); highest among the groups gnomAD compares: Admixed American, 0.018%; no homozygotes.

Submissions (9):

PreventionGenetics, part of Exact Sciences
Classification: Uncertain significance for LRSAM1-related condition. Last evaluated: 2026-07-06. Review status: criteria provided, single submitter. Criteria: ACMG Guidelines, 2015. Collection method: clinical testing. Allele origin: germline.
Comment: The LRSAM1 c.2110C>T variant is predicted to result in the amino acid substitution p.Arg704Cys. To our knowledge, this variant has not been reported in the literature. This variant is reported in 0.029% of alleles in individuals of Latino descent in gnomAD. At this time, the clinical significance of this variant is uncertain due to the absence of conclusive functional and genetic evidence.

Women's Health and Genetics/Laboratory Corporation of America, LabCorp
Classification: Uncertain significance. Last evaluated: 2026-06-11. Review status: criteria provided, single submitter. Criteria: LabCorp Variant Classification Summary - May 2015. Collection method: clinical testing. Allele origin: germline.
Comment: Variant summary: LRSAM1 c.2110C>T (p.Arg704Cys) results in a non-conservative amino acid change in the encoded protein sequence. Algorithms developed to predict the effect of missense changes on protein structure and function all suggest that this variant is likely to be disruptive. The variant allele was found at a frequency of 0.0001 in 245216 control chromosomes. This frequency is not significantly higher than estimated for disease-causing variants in LRSAM1, allowing no conclusion about variant significance. To our knowledge, no occurrence of c.2110C>T in individuals affected with LRSAM1-related conditions and no experimental evidence demonstrating its impact on protein function have been reported. ClinVar contains an entry for this variant (Variation ID: 539996). Based on the evidence outlined above, the variant was classified as uncertain significance.

Labcorp Genetics (formerly Invitae), Labcorp
Classification: Uncertain significance for Charcot-Marie-Tooth disease axonal type 2P. Last evaluated: 2025-12-06. Review status: criteria provided, single submitter. Criteria: Invitae Variant Classification Sherloc (09022015). Collection method: clinical testing. Allele origin: germline.
Comment: This sequence change replaces arginine, which is basic and polar, with cysteine, which is neutral and slightly polar, at codon 704 of the LRSAM1 protein (p.Arg704Cys). This variant is present in population databases (rs150984897, gnomAD 0.03%). This variant has not been reported in the literature in individuals affected with LRSAM1-related conditions. ClinVar contains an entry for this variant (Variation ID: 539996). Invitae Evidence Modeling of protein sequence and biophysical properties (such as structural, functional, and spatial information, amino acid conservation, physicochemical variation, residue mobility, and thermodynamic stability) indicates that this missense variant is not expected to disrupt LRSAM1 protein function with a negative predictive value of 80%. In summary, the available evidence is currently insufficient to determine the role of this variant in disease. Therefore, it has been classified as a Variant of Uncertain Significance.

Ambry Genetics
Classification: Uncertain significance for Inborn genetic diseases. Last evaluated: 2025-04-01. Review status: criteria provided, single submitter. Criteria: Ambry Variant Classification Scheme 2023. Collection method: clinical testing. Allele origin: germline.
Comment: Unlikely to be causative of LRSAM1-related Charcot-Marie-Tooth disease, type 2 (AD) Based on insufficient or conflicting evidence, the clinical significance of this alteration remains unclear.

Blueprint Genetics
Classification: Uncertain significance. Last evaluated: 2024-10-02. Review status: criteria provided, single submitter. Criteria: ACMG Guidelines, 2015. Collection method: clinical testing. Allele origin: germline.

CeGaT Center for Human Genetics Tuebingen
Classification: Uncertain significance. Last evaluated: 2023-08-01. Review status: criteria provided, single submitter. Criteria: CeGaT Center For Human Genetics Tuebingen Variant Classification Criteria Version 2. Collection method: clinical testing. Allele origin: germline. Affected: yes. Observed: 1 variant allele.

ARUP Laboratories, Molecular Genetics and Genomics, ARUP Laboratories
Classification: Uncertain significance for Charcot-Marie-Tooth disease axonal type 2P. Last evaluated: 2023-05-26. Review status: criteria provided, single submitter. Criteria: ARUP Molecular Germline Variant Investigation Process 2024. Collection method: clinical testing. Allele origin: germline.
Comment: The LRSAM1 c.2110C>T; p.Arg704Cys variant (rs150984897), to our knowledge, is not reported in the medical literature but is reported in ClinVar (Variation ID: 539996). This variant is found in the general population with an overall allele frequency of 0.0105% (29/276,564 alleles) in the Genome Aggregation Database. Computational analyses are uncertain whether this variant is neutral or deleterious (REVEL: 0.61). Due to limited information, the clinical significance of this variant is uncertain at this time.

Mayo Clinic Laboratories, Mayo Clinic
Classification: Uncertain significance. Last evaluated: 2021-11-15. Review status: criteria provided, single submitter. Criteria: ACMG Guidelines, 2015. Collection method: clinical testing. Allele origin: germline.

Illumina Laboratory Services, Illumina
Classification: Uncertain significance for Charcot-Marie-Tooth disease axonal type 2P. Last evaluated: 2018-01-13. Review status: criteria provided, single submitter. Criteria: ICSL Variant Classification Criteria 13 December 2019. Collection method: clinical testing. Allele origin: germline.

NM_001005373.4(LRSAM1):c.2110C>T (p.Arg704Cys)

Gene: LRSAM1 (leucine rich repeat and sterile alpha motif containing 1; plus strand). Cytogenetic location: 9q34.11.
Variant type: single nucleotide variant.
Coding change: c.2110C>T on transcript NM_001005373.4 (MANE Select); coding-DNA position 2110, C replaced by T.
Protein change: p.Arg704Cys; replaces arginine 704 with cysteine.
Molecular consequence: missense variant. On other transcripts: non-coding transcript variant (2).
Genome position (GRCh38, 1-based): chr9:127,502,837, C>T. VCF-style: chr9-127502837-C-T. GRCh37 (hg19) VCF-style: chr9-130265116-C-T.
Other names: c.2110C>T (NM_138361.4); c.2110C>T, p.Arg704Cys (NM_001005374.4, NM_001384142.1, NM_138361.5); c.2029C>T, p.Arg677Cys (NM_001190723.3); c.2011C>T, p.Arg671Cys (NM_001384143.1); c.1321C>T, p.Arg441Cys (NM_001384144.1); short protein forms R704C, R677C, R441C, R671C.
Identifiers: ClinVar variation 539996 (VCV000539996.49), dbSNP rs150984897, ClinGen allele CA5247264.